The following is an entry in ClinVar:

ClinVar aggregate classification (germline): Conflicting classifications of pathogenicity. Review status: criteria provided, conflicting classifications (1 of 4 stars). 5 submissions from 5 submitters: Pathogenic (1); Likely pathogenic (2); Uncertain significance (2). Last evaluated 2024-10-22.

Conditions:
Male infertility due to gonadal dysgenesis or sperm disorder. Identifiers: Orphanet 399764, MedGen C5680033, MONDO:0018389.
Postaxial hand polydactyly. Also called: Postaxial polydactyly of fingers. Identifiers: MedGen C0431904, MONDO:0017426, HP:0001162.
Strabismus. Identifiers: MedGen C0038379, MONDO:0003432, HP:0000486.
Cerebellar ataxia. Identifiers: Orphanet 102002, MedGen C0007758, MONDO:0000437.
Ventriculomegaly. Identifiers: MedGen C1531647, HP:0002119.
Postaxial foot polydactyly. Identifiers: MedGen C2112129, HP:0001830.
Spasticity. Identifiers: MedGen C0026838, HP:0001257.
Nystagmus. Identifiers: MedGen C0028738, MONDO:0004843, HP:0000639.
Acrocallosal syndrome (ACLS). Also called: HALLUX DUPLICATION, POSTAXIAL POLYDACTYLY, AND ABSENCE OF CORPUS CALLOSUM; Schinzel syndrome 1; Absence of corpus callosum with unusual facial appearance, mental deficiency, duplication of the halluces and polydactyly. Identifiers: Orphanet 36, MedGen C0796147, MONDO:0008708, OMIM 200990.

Allele frequency attached by ClinVar (database versions not stated): gnomAD 0.00001; gnomAD exomes 0.00001; TOPMed 0.00002; ExAC 0.00005.
gnomAD v4.1: 21 of 1,551,662 alleles (0.0014%); highest among the groups gnomAD compares: Non-Finnish European, 0.0018%; no homozygotes.

Submissions (5):

Labcorp Genetics (formerly Invitae), Labcorp
Classification: Uncertain significance for Acrocallosal syndrome. Last evaluated: 2024-10-22. Review status: criteria provided, single submitter. Criteria: Invitae Variant Classification Sherloc (09022015). Collection method: clinical testing. Allele origin: germline.
Comment: This sequence change replaces tyrosine, which is neutral and polar, with serine, which is neutral and polar, at codon 145 of the KIF7 protein (p.Tyr145Ser). This variant is present in population databases (rs758361736, gnomAD 0.003%). This missense change has been observed in individual(s) with clinical features of acrocallosal syndrome (PMID: 29286531). ClinVar contains an entry for this variant (Variation ID: 374124). Invitae Evidence Modeling of protein sequence and biophysical properties (such as structural, functional, and spatial information, amino acid conservation, physicochemical variation, residue mobility, and thermodynamic stability) indicates that this missense variant is not expected to disrupt KIF7 protein function with a negative predictive value of 80%. In summary, the available evidence is currently insufficient to determine the role of this variant in disease. Therefore, it has been classified as a Variant of Uncertain Significance.

Laan Lab, Human Genetics Research Group, University of Tartu
Classification: Likely pathogenic for Male infertility due to gonadal dysgenesis or sperm disorder. Last evaluated: 2023-12-01. Review status: criteria provided, single submitter. Criteria: ACMG Guidelines, 2015. Collection method: research. Allele origin: maternal. Inheritance: Oligogenic inheritance. Affected: yes. Observed: 1 variant allele, 1 heterozygote.

Blueprint Genetics
Classification: Uncertain significance. Last evaluated: 2023-11-27. Review status: criteria provided, single submitter. Criteria: ACMG Guidelines, 2015. Collection method: clinical testing. Allele origin: germline.

Centre for Mendelian Genomics, University Medical Centre Ljubljana
Classification: Likely pathogenic for Ataxia; Nystagmus; Postaxial foot polydactyly; Postaxial hand polydactyly; Spasticity; Strabismus; Ventriculomegaly. Last evaluated: 2014-11-29. Review status: criteria provided, single submitter. Criteria: ACMG Guidelines, 2015. Collection method: clinical testing. Allele origin: unknown. Affected: yes.

Institute for Genomic Statistics and Bioinformatics, University Hospital Bonn
Classification: Pathogenic for Acrocallosal syndrome. Review status: criteria provided, single submitter. Criteria: ACMG Guidelines, 2015. Collection method: clinical testing. Allele origin: unknown. Affected: yes. Observed: 1 variant allele.

Literature cited by the submitters: PubMed 29286531 (cited by Labcorp Genetics (formerly Invitae), Labcorp); DOI 10.3389/fendo.2024.1312357 (cited by Laan Lab, Human Genetics Research Group, University of Tartu).

NM_198525.3(KIF7):c.434A>C (p.Tyr145Ser)

Gene: KIF7 (kinesin family member 7; minus strand). Cytogenetic location: 15q26.1.
Variant type: single nucleotide variant.
Coding change: c.434A>C on transcript NM_198525.3 (MANE Select); coding-DNA position 434, A replaced by C.
Protein change: p.Tyr145Ser; replaces tyrosine 145 with serine.
Molecular consequence: missense variant.
Genome position (GRCh38, 1-based): chr15:89,649,836, T>G on the plus strand (A>C on the coding strand, the complement: KIF7 is on the minus strand). VCF-style: chr15-89649836-T-G. GRCh37 (hg19) VCF-style: chr15-90193067-T-G.
Other names: short protein forms Y145S.
Identifiers: ClinVar variation 374124 (VCV000374124.8), dbSNP rs758361736, ClinGen allele CA7728634.
Genomic context (GRCh38, chr15:89,649,836, plus strand): 5'-TCACGGCTGGCAGTGCCCACCTCGAGCAGGTCTCGGAACTCCTCCTTGTACACTTCCAGG[T>G]AGGACACATGTACCAGACAGTCAAGCAGGTCGTTCTCATCGATGAGCTTGAAGGCCTCGG-3'
Protein context (NP_940927.2, residues 135-155): DLLDCLVHVS[Tyr145Ser]LEVYKEEFRD